The following is an entry in ClinVar:

ClinVar aggregate classification (germline): Uncertain significance. Review status: criteria provided, multiple submitters, no conflicts (2 of 4 stars). 2 submissions from 2 submitters: Uncertain significance (2). Last evaluated 2026-02-20.

gnomAD v4.1: 3 of 1,613,652 alleles (0.00019%); highest among the groups gnomAD compares: South Asian, 0.0033%; no homozygotes.

Submissions (2):

GeneDx
Classification: Uncertain significance. Last evaluated: 2026-02-20. Review status: criteria provided, single submitter. Criteria: GeneDx Variant Classification Process June 2021. Collection method: clinical testing. Allele origin: germline.
Comment: Not observed at significant frequency in large population cohorts (gnomAD); In silico analysis supports that this missense variant has a deleterious effect on protein structure/function; Has not been previously published as pathogenic or benign to our knowledge

Labcorp Genetics (formerly Invitae), Labcorp
Classification: Uncertain significance. Last evaluated: 2025-04-14. Review status: criteria provided, single submitter. Criteria: Invitae Variant Classification Sherloc (09022015). Collection method: clinical testing. Allele origin: germline.
Comment: This sequence change replaces proline, which is neutral and non-polar, with serine, which is neutral and polar, at codon 2509 of the PCLO protein (p.Pro2509Ser). This variant is not present in population databases (gnomAD no frequency). This variant has not been reported in the literature in individuals affected with PCLO-related conditions. ClinVar contains an entry for this variant (Variation ID: 3697360). Experimental studies and prediction algorithms are not available or were not evaluated, and the functional significance of this variant is currently unknown. In summary, the available evidence is currently insufficient to determine the role of this variant in disease. Therefore, it has been classified as a Variant of Uncertain Significance.

NM_033026.6(PCLO):c.7525C>T (p.Pro2509Ser)

Gene: PCLO (piccolo presynaptic cytomatrix protein; minus strand). Cytogenetic location: 7q21.11.
Variant type: single nucleotide variant.
Coding change: c.7525C>T on transcript NM_033026.6 (MANE Select); coding-DNA position 7525, C replaced by T.
Protein change: p.Pro2509Ser; replaces proline 2509 with serine.
Molecular consequence: missense variant.
Genome position (GRCh38, 1-based): chr7:82,953,428, G>A on the plus strand (C>T on the coding strand, the complement: PCLO is on the minus strand). VCF-style: chr7-82953428-G-A. GRCh37 (hg19) VCF-style: chr7-82582744-G-A.
Other names: c.7525C>T, p.Pro2509Ser (NM_014510.3); c.7525C>T (NM_033026.5); short protein forms P2509S.
Identifiers: ClinVar variation 3697360 (VCV003697360.3).
Genomic context (GRCh38, chr7:82,953,428, plus strand): 5'-TATCTGTTGGTTTTTGTGTAGTTGTTGGAAGCTGAGGAATCACTGGTTTGGGGGCGATTG[G>A]AGGTTTGCTTGGCTCAGGCCTGTGGGTAAATACAAGTCCAGATGGAATTGAAGATGGCTT-3'
Protein context (NP_149015.2, residues 2499-2519): FTHRPEPSKP[Pro2509Ser]IAPKPVIPQL